The following is an entry in ClinVar:

NM_004667.6(HERC2):c.3977T>C (p.Leu1326Pro)

Gene: HERC2 (HECT and RLD domain containing E3 ubiquitin protein ligase 2; minus strand). Cytogenetic location: 15q13.1.
Variant type: single nucleotide variant.
Coding change: c.3977T>C on transcript NM_004667.6 (MANE Select); coding-DNA position 3977, T replaced by C.
Protein change: p.Leu1326Pro; replaces leucine 1326 with proline.
Molecular consequence: missense variant.
Genome position (GRCh38, 1-based): chr15:28,236,989, A>G on the plus strand (T>C on the coding strand, the complement: HERC2 is on the minus strand). VCF-style: chr15-28236989-A-G. GRCh37 (hg19) VCF-style: chr15-28482135-A-G.
Other names: short protein forms L1326P.
Identifiers: ClinVar variation 1723864 (VCV001723864.2), dbSNP rs981138999, ClinGen allele CA267917103.

ClinVar aggregate classification (germline): Uncertain significance (1 of 4 stars; one submission).

Allele frequency attached by ClinVar (database versions not stated): TOPMed below 0.00001; gnomAD 0.00001; gnomAD exomes 0.00001.
gnomAD v4.1: 11 of 1,611,872 alleles (0.00068%); highest among the groups gnomAD compares: Non-Finnish European, 0.00093%; no homozygotes.

Submission:

GeneDx
Classification: Uncertain significance. Last evaluated: 2022-05-12. Review status: criteria provided, single submitter. Criteria: GeneDx Variant Classification Process June 2021. Collection method: clinical testing. Allele origin: germline. Affected: yes.
Comment: Not observed at significant frequency in large population cohorts (gnomAD); In silico analysis supports that this missense variant has a deleterious effect on protein structure/function; Has not been previously published as pathogenic or benign to our knowledge